The following is an entry in ClinVar:

NM_001372076.1(PAX9):c.771+3G>T

Gene: PAX9 (paired box 9; plus strand). Cytogenetic location: 14q13.3.
Variant type: single nucleotide variant.
Coding change: c.771+3G>T on transcript NM_001372076.1 (MANE Select); 3 bases into the intron after coding-DNA position 771, G replaced by T.
Molecular consequence: intron variant.
Genome position (GRCh38, 1-based): chr14:36,666,604, G>T. VCF-style: chr14-36666604-G-T. GRCh37 (hg19) VCF-style: chr14-37135809-G-T.
Other names: c.771+3G>T (NM_006194.4).
Identifiers: ClinVar variation 2814643 (VCV002814643.3), dbSNP rs1881502636, ClinGen allele CA2129505299.

ClinVar aggregate classification (germline): Uncertain significance (1 of 4 stars; one submission).

Conditions:
Hypodontia. Also called: Partial congenital absence of teeth; TOOTH AGENESIS, FAMILIAL; Tooth agenesis, selective. Identifiers: Orphanet 99798, MedGen C0020608, MONDO:0005486, HP:0000668. Disease mechanism: loss of function.

Allele frequency attached by ClinVar (database versions not stated): TOPMed below 0.00001.

Submission:

Labcorp Genetics (formerly Invitae), Labcorp
Classification: Uncertain significance for Hypodontia. Last evaluated: 2023-03-03. Review status: criteria provided, single submitter. Criteria: Invitae Variant Classification Sherloc (09022015). Collection method: clinical testing. Allele origin: germline.
Comment: In summary, the available evidence is currently insufficient to determine the role of this variant in disease. Therefore, it has been classified as a Variant of Uncertain Significance. Variants that disrupt the consensus splice site are a relatively common cause of aberrant splicing (PMID: 17576681, 9536098). Algorithms developed to predict the effect of sequence changes on RNA splicing suggest that this variant may disrupt the consensus splice site. This variant has not been reported in the literature in individuals affected with PAX9-related conditions. This variant is not present in population databases (gnomAD no frequency). This sequence change falls in intron 4 of the PAX9 gene. It does not directly change the encoded amino acid sequence of the PAX9 protein. It affects a nucleotide within the consensus splice site.

Literature cited by the submitters: PubMed 17576681; PubMed 9536098.